The following is an entry in ClinVar:

NM_000264.5(PTCH1):c.3540_3543delinsTCC (p.Tyr1181fs)

Gene: PTCH1 (patched 1; minus strand). Cytogenetic location: 9q22.32.
Variant type: Indel.
Coding change: c.3540_3543delinsTCC on transcript NM_000264.5 (MANE Select); coding-DNA positions 3540 to 3543, ATAT replaced by TCC.
Protein change: p.Tyr1181fs; shifts the reading frame from tyrosine 1181.
Molecular consequence: frameshift variant. On other transcripts: non-coding transcript variant (1).
Genome position (GRCh38, 1-based): chr9:95,449,847-95,449,850, ATAT replaced by GGA on the plus strand (ATAT replaced by TCC on the coding strand, the reverse complement: PTCH1 is on the minus strand). VCF-style: chr9-95449847-ATAT-GGA. GRCh37 (hg19) VCF-style: chr9-98212129-ATAT-GGA.
Other names: c.3342_3345delinsTCC, p.Tyr1115fs (NM_001083602.3); c.3537_3540delinsTCC, p.Tyr1180fs (NM_001083603.3); c.3087_3090delinsTCC, p.Tyr1030fs (NM_001083604.3, NM_001083605.3, NM_001083606.3 and 1 more transcripts); c.3384_3387delinsTCC, p.Tyr1129fs (NM_001354918.2); short protein forms Y1181fs, Y1030fs, Y1115fs, Y1129fs, Y1180fs.
Identifiers: ClinVar variation 453855 (VCV000453855.5), dbSNP rs1554689667, ClinGen allele CA658657880.
Genomic context (GRCh38, chr9:95,449,847, plus strand): 5'-GAAACACAGCATTCAGCCGGCCTACACGTGGGACATCCCCGTGTCACTACTGACCTCAGG[ATAT>GGA]GGTCCAAAGAAAGACAAAAGCACGGGAAGCAAAACCAGCCCATTGAGAACGCCGAGGATG-3'

ClinVar aggregate classification (germline): Pathogenic (1 of 4 stars; one submission).

Conditions:
Gorlin syndrome. Also called: Basal cell nevus syndrome; Nevoid Basal Cell Carcinoma Syndrome. Identifiers: Orphanet 377, MedGen C0004779, MONDO:0007187.

Submission:

Labcorp Genetics (formerly Invitae), Labcorp
Classification: Pathogenic for Gorlin syndrome. Last evaluated: 2021-05-25. Review status: criteria provided, single submitter. Criteria: Invitae Variant Classification Sherloc (09022015). Collection method: clinical testing. Allele origin: germline.
Comment: This sequence change creates a premature translational stop signal (p.Tyr1181Profs*10) in the PTCH1 gene. It is expected to result in an absent or disrupted protein product. Loss-of-function variants in PTCH1 are known to be pathogenic (PMID: 16301862, 16419085). This variant is not present in population databases (ExAC no frequency). This variant has not been reported in the literature in individuals with PTCH1-related conditions. For these reasons, this variant has been classified as Pathogenic.

Literature cited by the submitters: PubMed 16301862; PubMed 16419085.